The following is an entry in ClinVar:

ClinVar aggregate classification (germline): Pathogenic. Review status: criteria provided, single submitter (1 of 4 stars). 2 submissions from 2 submitters: Pathogenic (1). 1 of the submissions does not count toward it. Last evaluated 2026-03-19.

Conditions:
Mitochondrial DNA depletion syndrome 1. Also called: Mitochondrial neurogastrointestinal encephalomyopathy syndrome; Mitochondrial Neurogastrointestinal Encephalopathy Disease; MITOCHONDRIAL NEUROGASTROINTESTINAL ENCEPHALOPATHY SYNDROME, TYMP-RELATED; POLIP SYNDROME; POLYNEUROPATHY, OPHTHALMOPLEGIA, LEUKOENCEPHALOPATHY, AND INTESTINAL PSEUDOOBSTRUCTION; MNGIE, TYMP-RELATED. Identifiers: Orphanet 298, MedGen C4551995, MONDO:0011283, OMIM 603041.

Submissions (2):

Myriad Genetics, Inc.
Classification: Pathogenic for Mitochondrial DNA depletion syndrome 1. Last evaluated: 2026-03-19. Review status: criteria provided, single submitter. Criteria: Myriad Autosomal Dominant, Autosomal Recessive and X-Linked Classification Criteria (2023). Collection method: clinical testing. Allele origin: unknown.
Comment: NM_001953.4(TYMP):c.99dupC(K34Qfs*90) is expected to be pathogenic in the context of mitochondrial neurogastrointestinal encephalopathy disease. This variant is predicted to lead to an abnormal or absent protein product due to the creation of a premature termination codon in TYMP, a gene where loss-of-function variants are known to be pathogenic. Please note: this variant was assessed in the context of healthy population screening.

GeneReviews
Classification: Pathogenic for Mitochondrial DNA depletion syndrome 1. Last evaluated: 2016-01-14. Review status: no assertion criteria provided. Collection method: literature only. Allele origin: germline. Affected: yes. Not counted in ClinVar's aggregate classification.

Literature cited by the submitters: PubMed 10852545 (cited by GeneReviews).

NM_001953.5(TYMP):c.99dup (p.Lys34fs)

Gene: TYMP (thymidine phosphorylase; minus strand). Cytogenetic location: 22q13.33.
Variant type: Duplication.
Coding change: c.99dup on transcript NM_001953.5 (MANE Select); coding-DNA position 99, one base duplicated (C; older notation c.99dupC).
Protein change: p.Lys34fs; shifts the reading frame from lysine 34.
Molecular consequence: frameshift variant.
Genome position (GRCh38, 1-based): chr22:50,529,611, G duplicated on the plus strand (C on the coding strand, the reverse complement: TYMP is on the minus strand); the first of 3 consecutive G bases (chr22:50,529,611-50,529,613); duplicating any one gives the same sequence. VCF-style (leftmost placement, unchanged base first): chr22-50529610-T-TG. GRCh37 (hg19) VCF-style: chr22-50968039-T-TG.
Other names: c.99dup, p.Lys34fs (NM_001113755.3, NM_001113756.3, NM_001257988.1 and 1 more transcripts); short protein forms K34fs.
Identifiers: ClinVar variation 223072 (VCV000223072.2), dbSNP rs1064792880, ClinGen allele CA16616807.
Genomic context (GRCh38, chr22:50,529,610, plus strand): 5'-TGTCCGCTTCGCTCAGGCGGCCTCCGTCTCGCTTCATGCGGATCAGCTCCGGGAGCTGCT[T>TG]GGGCTCTGGCGAAGGGTCGGGAAGTCCCTGGCTCCCTTCCCCGGAGAAGTCACCAGGCGC-3'